The following is an entry in ClinVar:

NM_000163.5(GHR):c.*1934T>C

Gene: GHR (growth hormone receptor; plus strand). Cytogenetic location: 5p12.
Variant type: single nucleotide variant.
Coding change: c.*1934T>C on transcript NM_000163.5 (MANE Select); 1934 bases downstream of the stop codon, T replaced by C.
Molecular consequence: 3 prime UTR variant.
Genome position (GRCh38, 1-based): chr5:42,721,358, T>C. VCF-style: chr5-42721358-T-C. GRCh37 (hg19) VCF-style: chr5-42721460-T-C.
Other names: c.*1934T>C (NM_001242399.2, NM_001242400.2, NM_001242401.4 and 6 more transcripts); c.*2893T>C (NM_001242462.1).
Identifiers: ClinVar variation 353715 (VCV000353715.6), dbSNP rs62372049, ClinGen allele CA10620496.
Genomic context (GRCh38, chr5:42,721,358, plus strand): 5'-AGAATACTTCTCATTTTTTAAAAAAGCTTAAAACTTTGAAGTTAGCTTTAACTTAAATAG[T>C]ATTTCCCATTTATCGCAGACCTTTTTTAGGAAGCAAGCTTAATGGCTGATAATTTTAAAT-3'

ClinVar aggregate classification (germline): Benign. Review status: criteria provided, multiple submitters, no conflicts (2 of 4 stars). 2 submissions from 2 submitters: Benign (2). Last evaluated 2018-01-12.

Conditions:
Laron-type isolated somatotropin defect. Also called: GROWTH HORMONE RECEPTOR DEFICIENCY; Laron Syndrome; Growth hormone binding protein deficiency or dysfunction; Growth hormone receptor deficiency or dysfunction; Laron dwarfism; Laron type pituitary dwarfism I. Identifiers: Orphanet 633, MedGen C0271568, MONDO:0009877, OMIM 262500.

Allele frequency attached by ClinVar (database versions not stated): 1000 Genomes Project 0.01538; 1000 Genomes Project 30x 0.01811; TOPMed 0.03935; gnomAD 0.04016 and 0.04177.

Submissions (2):

Illumina Laboratory Services, Illumina
Classification: Benign for Laron-type isolated somatotropin defect. Last evaluated: 2018-01-12. Review status: criteria provided, single submitter. Criteria: ICSL Variant Classification Criteria 13 December 2019. Collection method: clinical testing. Allele origin: germline.
Comment: This variant was observed in the ICSL laboratory as part of a predisposition screen in an ostensibly healthy population. It had not been previously curated by ICSL or reported in the Human Gene Mutation Database (HGMD: prior to June 1st, 2018), and was therefore a candidate for classification through an automated scoring system. Utilizing variant allele frequency, disease prevalence and penetrance estimates, and inheritance mode, an automated score was calculated to assess if this variant is too frequent to cause the disease. Based on the score and internal cut-off values, a variant classified as benign is not then subjected to further curation. The score for this variant resulted in a classification of benign for this disease.

Breakthrough Genomics
Classification: Benign. Review status: criteria provided, single submitter. Criteria: ACMG Guidelines, 2015. Collection method: not provided. Allele origin: germline. Inheritance: Autosomal recessive inheritance. Affected: yes.